The following is an entry in ClinVar:

ClinVar aggregate classification (germline): Likely pathogenic (1 of 4 stars; one submission).

Conditions:
Nephronophthisis 12 (NPHP12). Identifiers: Orphanet 655, MedGen C3151186, MONDO:0013442, OMIM 613820.
Asphyxiating thoracic dystrophy 4 (SRTD4). Also called: SHORT-RIB THORACIC DYSPLASIA 4 WITH OR WITHOUT POLYDACTYLY; SHORT-RIB THORACIC DYSPLASIA 4. Identifiers: Orphanet 474, MedGen C3151185, MONDO:0013441, OMIM 613819.

Allele frequency attached by ClinVar (database versions not stated): gnomAD exomes below 0.00001; TOPMed below 0.00001.
gnomAD v4.1: 1 of 1,613,946 alleles (0.000062%); highest among the groups gnomAD compares: Non-Finnish European, 0.000085%; no homozygotes.

Submission:

Fulgent Genetics
Classification: Likely pathogenic for Asphyxiating thoracic dystrophy 4; Nephronophthisis 12. Last evaluated: 2021-06-30. Review status: criteria provided, single submitter. Criteria: ACMG Guidelines, 2015. Collection method: clinical testing. Allele origin: unknown.
Comment: This variant has been detected in individual(s) who were sent for testing of Renasight - kidney gene panel.

NM_024753.5(TTC21B):c.3340C>T (p.Gln1114Ter)

Gene: TTC21B (tetratricopeptide repeat domain 21B; minus strand). Cytogenetic location: 2q24.3.
Variant type: single nucleotide variant.
Coding change: c.3340C>T on transcript NM_024753.5 (MANE Select); coding-DNA position 3340, C replaced by T.
Protein change: p.Gln1114Ter; replaces glutamine 1114 with a stop codon.
Molecular consequence: nonsense.
Genome position (GRCh38, 1-based): chr2:165,888,398, G>A on the plus strand (C>T on the coding strand, the complement: TTC21B is on the minus strand). VCF-style: chr2-165888398-G-A. GRCh37 (hg19) VCF-style: chr2-166744908-G-A.
Other names: short protein forms Q1114*.
Identifiers: ClinVar variation 1179185 (VCV001179185.2), dbSNP rs1685080096, ClinGen allele CA349047643.